The following is an entry in ClinVar:

ClinVar aggregate classification (germline): Uncertain significance (1 of 4 stars; one submission).

Conditions:
Hereditary breast ovarian cancer syndrome. Also called: Hereditary breast and ovarian cancer; Hereditary breast and ovarian cancer syndrome (HBOC); Breast and ovarian cancer; Hereditary breast and/or ovarian cancer syndrome; BRCA1- and BRCA2-Associated Hereditary Breast and Ovarian Cancer; Hereditary breast and ovarian cancer syndrome. Identifiers: Orphanet 145, MedGen C0677776, MeSH D061325, MONDO:0003582. Disease mechanism: loss of function.

Allele frequency attached by ClinVar (database versions not stated): gnomAD exomes below 0.00001.
gnomAD v4.1: 2 of 1,614,232 alleles (0.00012%); highest among the groups gnomAD compares: Non-Finnish European, 0.00017%; no homozygotes.

Submissions (2):

Labcorp Genetics (formerly Invitae), Labcorp
Classification: Uncertain significance for Hereditary breast ovarian cancer syndrome. Last evaluated: 2024-09-28. Review status: criteria provided, single submitter. Criteria: Invitae Variant Classification Sherloc (09022015). Collection method: clinical testing. Allele origin: germline.
Comment: This sequence change replaces arginine, which is basic and polar, with glycine, which is neutral and non-polar, at codon 1649 of the BRCA1 protein (p.Arg1649Gly). This variant is present in population databases (no rsID available, gnomAD 0.0009%). This variant has not been reported in the literature in individuals affected with BRCA1-related conditions. ClinVar contains an entry for this variant (Variation ID: 868440). Invitae Evidence Modeling incorporating data from in vitro experimental studies (PMID: 30209399) indicates that this missense variant is not expected to disrupt BRCA1 function with a negative predictive value of 95%. In summary, the available evidence is currently insufficient to determine the role of this variant in disease. Therefore, it has been classified as a Variant of Uncertain Significance.

Brotman Baty Institute, University of Washington
No classification provided (evidence only). Condition: Breast-ovarian cancer, familial 1. Review status: no classification provided. Collection method: in vitro. Allele origin: not applicable. Functional consequence: functionally_normal. Not counted in ClinVar's aggregate classification.
ClinVar note: "not provided" was previously submitted as the classification for the variant. However, the classification appeared to be based only on an observation of functional data so it was converted to no classification on 2025-07-30.

Literature cited by the submitters: PubMed 30209399 (cited by Labcorp Genetics (formerly Invitae), Labcorp).

NM_007294.4(BRCA1):c.4945A>G (p.Arg1649Gly)

Gene: BRCA1 (BRCA1 DNA repair associated; minus strand). Cytogenetic location: 17q21.31.
Variant type: single nucleotide variant.
Coding change: c.4945A>G on transcript NM_007294.4 (MANE Select); coding-DNA position 4945, A replaced by G.
Protein change: p.Arg1649Gly; replaces arginine 1649 with glycine.
Molecular consequence: missense variant. On other transcripts: non-coding transcript variant (1).
Genome position (GRCh38, 1-based): chr17:43,070,969, T>C on the plus strand (A>G on the coding strand, the complement: BRCA1 is on the minus strand). VCF-style: chr17-43070969-T-C. GRCh37 (hg19) VCF-style: chr17-41222986-T-C.
Other names: c.1372A>G, p.Arg458Gly (NM_001408501.1, NM_001408500.1, NM_001408496.1 and 3 more transcripts); c.1369A>G, p.Arg457Gly (NM_001408502.1, NM_001408503.1, NM_001408504.1); c.1366A>G, p.Arg456Gly (NM_001408505.1); c.1309A>G, p.Arg437Gly (NM_001408506.1); c.1306A>G, p.Arg436Gly (NM_001408507.1); c.1297A>G, p.Arg433Gly (NM_001408508.1); c.1294A>G, p.Arg432Gly (NM_001408509.1); c.1255A>G, p.Arg419Gly (NM_001408510.1); and 70 more; short protein forms R1602G, R1649G, R1670G, R545G, R1352G, R1353G, R1522G, R1537G.
Identifiers: ClinVar variation 868440 (VCV000868440.5), dbSNP rs1312537519, ClinGen allele CA10591634.